The following is an entry in ClinVar:

ClinVar aggregate classification (germline): Benign (1 of 4 stars; one submission).

Submission:

CeGaT Center for Human Genetics Tuebingen
Classification: Benign. Last evaluated: 2022-08-01. Review status: criteria provided, single submitter. Criteria: CeGaT Center For Human Genetics Tuebingen Variant Classification Criteria Version 2. Collection method: clinical testing. Allele origin: germline. Affected: yes. Observed: 1 variant allele.
Comment: TTC19: BS1, BS2

NM_017775.4(TTC19):c.*1316_*1324del

Gene: TTC19 (tetratricopeptide repeat domain 19; plus strand). Cytogenetic location: 17p12.
Variant type: Deletion.
Coding change: c.*1316_*1324del on transcript NM_017775.4 (MANE Select); 1316 bases downstream of the stop codon through 1324 bases downstream of the stop codon, 9 bases deleted (AAAAAAAAA; older notation c.*1316_*1324delAAAAAAAAA).
Molecular consequence: 3 prime UTR variant.
Genome position (GRCh38, 1-based): chr17:16,028,838-16,028,846, AAAAAAAAA deleted; deleting any 9 consecutive bases within chr17:16,028,819-16,028,846 gives the same sequence; the c. name uses the placement nearest the transcript's 3' end. VCF-style (leftmost placement, unchanged base first): chr17-16028818-CAAAAAAAAA-C. GRCh37 (hg19) VCF-style: chr17-15932132-CAAAAAAAAA-C.
Other names: c.*1316_*1324del (NM_001271420.2).
Identifiers: ClinVar variation 2647503 (VCV002647503.24), dbSNP rs59177775, ClinGen allele CA726464558.